The following is an entry in ClinVar:

NM_017780.4(CHD7):c.1654C>T (p.Pro552Ser)

Gene: CHD7 (chromodomain helicase DNA binding protein 7; plus strand). Cytogenetic location: 8q12.2.
Variant type: single nucleotide variant.
Coding change: c.1654C>T on transcript NM_017780.4 (MANE Select); coding-DNA position 1654, C replaced by T.
Protein change: p.Pro552Ser; replaces proline 552 with serine.
Molecular consequence: missense variant.
Genome position (GRCh38, 1-based): chr8:60,743,086, C>T. VCF-style: chr8-60743086-C-T. GRCh37 (hg19) VCF-style: chr8-61655645-C-T.
Other names: c.1654C>T, p.Pro552Ser (NM_001316690.1); short protein forms P552S.
Identifiers: ClinVar variation 1712582 (VCV001712582.2), dbSNP rs2487285997, ClinGen allele CA371303819.

ClinVar aggregate classification (germline): Uncertain significance (1 of 4 stars; one submission).

Submission:

GeneDx
Classification: Uncertain significance. Last evaluated: 2022-04-25. Review status: criteria provided, single submitter. Criteria: GeneDx Variant Classification Process June 2021. Collection method: clinical testing. Allele origin: germline. Affected: yes.
Comment: Not observed at significant frequency in large population cohorts (gnomAD); In silico analysis supports that this missense variant does not alter protein structure/function; Has not been previously published as pathogenic or benign to our knowledge